The following is an entry in ClinVar:

ClinVar aggregate classification (germline): Uncertain significance (1 of 4 stars; one submission).

Conditions:
Ataxia-telangiectasia syndrome (AT). Also called: ATAXIA-TELANGIECTASIA, FRESNO VARIANT; Ataxia-telangiectasia, complementation group E; Ataxia telangiectasia (A-T); Cerebello-oculocutaneous telangiectasia; Immunodeficiency with ataxia telangiectasia; LOUIS-BAR SYNDROME. Identifiers: Orphanet 100, MedGen C0004135, MONDO:0008840, OMIM 208900.

Submission:

Labcorp Genetics (formerly Invitae), Labcorp
Classification: Uncertain significance for Ataxia-telangiectasia syndrome. Last evaluated: 2019-03-22. Review status: criteria provided, single submitter. Criteria: Invitae Variant Classification Sherloc (09022015). Collection method: clinical testing. Allele origin: germline.
Comment: In summary, the available evidence is currently insufficient to determine the role of this variant in disease. Therefore, it has been classified as a Variant of Uncertain Significance. Algorithms developed to predict the effect of missense changes on protein structure and function are either unavailable or do not agree on the potential impact of this missense change (SIFT: "Deleterious"; PolyPhen-2: "Probably Damaging"; Align-GVGD: "Class C15"). This variant has not been reported in the literature in individuals with ATM-related disease. This variant is not present in population databases (ExAC no frequency). This sequence change replaces arginine with proline at codon 982 of the ATM protein (p.Arg982Pro). The arginine residue is moderately conserved and there is a moderate physicochemical difference between arginine and proline.

NM_000051.4(ATM):c.2945G>C (p.Arg982Pro)

Gene: ATM (ATM serine/threonine kinase; plus strand). Cytogenetic location: 11q22.3.
Variant type: single nucleotide variant.
Coding change: c.2945G>C on transcript NM_000051.4 (MANE Select); coding-DNA position 2945, G replaced by C.
Protein change: p.Arg982Pro; replaces arginine 982 with proline.
Molecular consequence: missense variant.
Genome position (GRCh38, 1-based): chr11:108,271,274, G>C. VCF-style: chr11-108271274-G-C. GRCh37 (hg19) VCF-style: chr11-108142001-G-C.
Other names: c.2945G>C, p.Arg982Pro (NM_001351834.2); short protein forms R982P.
Identifiers: ClinVar variation 653025 (VCV000653025.10), dbSNP rs749471737, ClinGen allele CA382547160.